The following is an entry in ClinVar:

NM_018062.4(FANCL):c.1018G>A (p.Glu340Lys)

Gene: FANCL (FA complementation group L; minus strand). Cytogenetic location: 2p16.1.
Variant type: single nucleotide variant.
Coding change: c.1018G>A on transcript NM_018062.4 (MANE Select); coding-DNA position 1018, G replaced by A.
Protein change: p.Glu340Lys; replaces glutamic acid 340 with lysine.
Molecular consequence: missense variant. On other transcripts: non-coding transcript variant (2).
Genome position (GRCh38, 1-based): chr2:58,161,524, C>T on the plus strand (G>A on the coding strand, the complement: FANCL is on the minus strand). VCF-style: chr2-58161524-C-T. GRCh37 (hg19) VCF-style: chr2-58388659-C-T.
Other names: c.1033G>A, p.Glu345Lys (NM_001114636.2); c.1063G>A, p.Glu355Lys (NM_001374615.1); c.1078G>A, p.Glu360Lys (NM_001410792.1); short protein forms E340K, E345K, E355K, E360K.
Identifiers: ClinVar variation 3628456 (VCV003628456.2).

ClinVar aggregate classification (germline): Uncertain significance (1 of 4 stars; one submission).

Conditions:
Fanconi anemia (FA). Also called: Fanconi's anemia. Identifiers: Orphanet 84, MedGen C0015625, MeSH D005199, MONDO:0019391.

gnomAD v4.1: 11 of 1,570,842 alleles (0.0007%); highest among the groups gnomAD compares: African/African-American, 0.0014%; no homozygotes.

Submission:

Labcorp Genetics (formerly Invitae), Labcorp
Classification: Uncertain significance for Fanconi anemia. Last evaluated: 2024-08-08. Review status: criteria provided, single submitter. Criteria: Invitae Variant Classification Sherloc (09022015). Collection method: clinical testing. Allele origin: germline.
Comment: This sequence change replaces glutamic acid, which is acidic and polar, with lysine, which is basic and polar, at codon 340 of the FANCL protein (p.Glu340Lys). The frequency data for this variant in the population databases is considered unreliable, as metrics indicate poor data quality at this position in the gnomAD database. This variant has not been reported in the literature in individuals affected with FANCL-related conditions. An algorithm developed to predict the effect of missense changes on protein structure and function (PolyPhen-2) suggests that this variant is likely to be disruptive. In summary, the available evidence is currently insufficient to determine the role of this variant in disease. Therefore, it has been classified as a Variant of Uncertain Significance.